The following is an entry in ClinVar:

ClinVar aggregate classification (germline): Uncertain significance (1 of 4 stars; one submission).

Conditions:
Hypertrophic cardiomyopathy. Also called: HYPERTROPHIC MYOCARDIOPATHY. Identifiers: Orphanet 217569, MedGen C0007194, MeSH D002312, MONDO:0005045, HP:0001639.

Allele frequency attached by ClinVar (database versions not stated): gnomAD exomes below 0.00001.
gnomAD v4.1: 1 of 1,612,376 alleles (0.000062%); no homozygotes.

Submission:

Labcorp Genetics (formerly Invitae), Labcorp
Classification: Uncertain significance for Hypertrophic cardiomyopathy. Last evaluated: 2019-11-06. Review status: criteria provided, single submitter. Criteria: Invitae Variant Classification Sherloc (09022015). Collection method: clinical testing. Allele origin: germline.
Comment: This sequence change creates a premature translational stop signal (p.Gln70*) in the MYOM1 gene. It is expected to result in an absent or disrupted protein product. The current clinical and genetic evidence is not sufficient to establish whether loss-of-function variants in MYOM1 cause disease. This variant has not been reported in the literature in individuals with MYOM1-related conditions. This variant is not present in population databases (ExAC no frequency). In summary, the available evidence is currently insufficient to determine the role of this variant in disease. Therefore, it has been classified as a Variant of Uncertain Significance.

NM_003803.4(MYOM1):c.208C>T (p.Gln70Ter)

Gene: MYOM1 (myomesin 1; minus strand). Cytogenetic location: 18p11.31.
Variant type: single nucleotide variant.
Coding change: c.208C>T on transcript NM_003803.4 (MANE Select); coding-DNA position 208, C replaced by T.
Protein change: p.Gln70Ter; replaces glutamine 70 with a stop codon.
Molecular consequence: nonsense.
Genome position (GRCh38, 1-based): chr18:3,215,016, G>A on the plus strand (C>T on the coding strand, the complement: MYOM1 is on the minus strand). VCF-style: chr18-3215016-G-A. GRCh37 (hg19) VCF-style: chr18-3215014-G-A.
Other names: c.208C>T, p.Gln70Ter (NM_019856.2); short protein forms Q70*.
Identifiers: ClinVar variation 964256 (VCV000964256.7), dbSNP rs2081243760, ClinGen allele CA401718075.